The following is an entry in ClinVar:

NM_001166114.2(PNPLA6):c.3489C>G (p.Ser1163Arg)

Gene: PNPLA6 (patatin like domain 6, lysophospholipase; plus strand). Cytogenetic location: 19p13.2.
Variant type: single nucleotide variant.
Coding change: c.3489C>G on transcript NM_001166114.2 (MANE Select); coding-DNA position 3489, C replaced by G.
Protein change: p.Ser1163Arg; replaces serine 1163 with arginine.
Molecular consequence: missense variant.
Genome position (GRCh38, 1-based): chr19:7,558,941, C>G. VCF-style: chr19-7558941-C-G. GRCh37 (hg19) VCF-style: chr19-7623827-C-G.
Other names: c.3519C>G, p.Ser1173Arg (NM_001166111.2); c.3294C>G, p.Ser1098Arg (NM_001166112.2); c.3375C>G, p.Ser1125Arg (NM_001166113.1, NM_006702.5); short protein forms S1163R, S1098R, S1125R, S1173R.
Identifiers: ClinVar variation 2138201 (VCV002138201.4), dbSNP rs1157636398, ClinGen allele CA403134789.

ClinVar aggregate classification (germline): Uncertain significance (1 of 4 stars; one submission).

Conditions:
Hereditary spastic paraplegia 39 (SPG39). Also called: SPASTIC PARAPLEGIA 39, AUTOSOMAL RECESSIVE; Spastic Paraplegia Type 39 (SPG39). Identifiers: Orphanet 139480, MedGen C2677586, MONDO:0012787, OMIM 612020.

Allele frequency attached by ClinVar (database versions not stated): gnomAD exomes below 0.00001.
gnomAD v4.1: 2 of 1,614,116 alleles (0.00012%); highest among the groups gnomAD compares: Non-Finnish European, 0.00017%; no homozygotes.

Submission:

Labcorp Genetics (formerly Invitae), Labcorp
Classification: Uncertain significance for Hereditary spastic paraplegia 39. Last evaluated: 2022-02-17. Review status: criteria provided, single submitter. Criteria: Invitae Variant Classification Sherloc (09022015). Collection method: clinical testing. Allele origin: germline.
Comment: This sequence change replaces serine, which is neutral and polar, with arginine, which is basic and polar, at codon 1125 of the PNPLA6 protein (p.Ser1125Arg). In summary, the available evidence is currently insufficient to determine the role of this variant in disease. Therefore, it has been classified as a Variant of Uncertain Significance. Algorithms developed to predict the effect of missense changes on protein structure and function are either unavailable or do not agree on the potential impact of this missense change (SIFT: "Deleterious"; PolyPhen-2: "Possibly Damaging"; Align-GVGD: "Class C0"). This variant is also known as c.3519C>G, p.Ser1173Arg. This missense change has been observed in individual(s) with Boucher-Neuhäuser syndrome (PMID: 25267340). In at least one individual the data is consistent with being in trans (on the opposite chromosome) from a pathogenic variant. This variant is not present in population databases (gnomAD no frequency).

Literature cited by the submitters: PubMed 25267340.